The following is an entry in ClinVar:

NM_001844.5(COL2A1):c.451A>T (p.Arg151Ter)

Gene: COL2A1 (collagen type II alpha 1 chain; minus strand). Cytogenetic location: 12q13.11.
Variant type: single nucleotide variant.
Coding change: c.451A>T on transcript NM_001844.5 (MANE Select); coding-DNA position 451, A replaced by T.
Protein change: p.Arg151Ter; replaces arginine 151 with a stop codon.
Molecular consequence: nonsense.
Genome position (GRCh38, 1-based): chr12:47,997,686, T>A on the plus strand (A>T on the coding strand, the complement: COL2A1 is on the minus strand). VCF-style: chr12-47997686-T-A. GRCh37 (hg19) VCF-style: chr12-48391469-T-A.
Other names: c.244A>T, p.Arg82Ter (NM_033150.3); short protein forms R151*, R82*.
Identifiers: ClinVar variation 2826563 (VCV002826563.3), dbSNP rs752217760, ClinGen allele CA384524881.
Genomic context (GRCh38, chr12:47,997,686, plus strand): 5'-CAGGGGGGCCGGGAGGACCAGGGGGGCCAGGATTTCCAGGGGTCCCAGGTTCTCCATCTC[T>A]GCCACGAGGTCCAGGGGCACCCTTGGCATAAAGAGAAAAAGGCATCAATGGGAAGCAGTG-3'

ClinVar aggregate classification (germline): Pathogenic (1 of 4 stars; one submission).

Submission:

Labcorp Genetics (formerly Invitae), Labcorp
Classification: Pathogenic. Last evaluated: 2023-02-09. Review status: criteria provided, single submitter. Criteria: Invitae Variant Classification Sherloc (09022015). Collection method: clinical testing. Allele origin: germline.
Comment: For these reasons, this variant has been classified as Pathogenic. This variant has not been reported in the literature in individuals affected with COL2A1-related conditions. This variant is not present in population databases (gnomAD no frequency). This sequence change creates a premature translational stop signal (p.Arg151*) in the COL2A1 gene. It is expected to result in an absent or disrupted protein product. Loss-of-function variants in COL2A1 are known to be pathogenic (PMID: 20179744).

Literature cited by the submitters: PubMed 20179744.